The following is an entry in ClinVar:

ClinVar aggregate classification (germline): Uncertain significance. Review status: criteria provided, multiple submitters, no conflicts (2 of 4 stars). 6 submissions from 5 submitters: Uncertain significance (5). 1 of the submissions does not count toward it. Last evaluated 2023-11-04.

Conditions:
Usher syndrome type 2A. Also called: RETINAL DISEASE IN USHER SYNDROME TYPE IIA, MODIFIER OF; USHER SYNDROME, TYPE IIA. Identifiers: Orphanet 231178, Orphanet 886, MedGen C1848634, MONDO:0010169, OMIM 276901.
Retinitis pigmentosa 39 (RP39). Identifiers: Orphanet 791, MedGen C3151138, MONDO:0013436, OMIM 613809.
Retinal dystrophy. Also called: Inherited retinal dystrophy. Identifiers: Orphanet 71862, MedGen C0854723, MeSH D058499, MONDO:0019118, HP:0000556.

Allele frequency attached by ClinVar (database versions not stated): TOPMed 0.00002; gnomAD 0.00002.
gnomAD v4.1: 8 of 1,613,208 alleles (0.0005%); highest among the groups gnomAD compares: East Asian, 0.0045%; no homozygotes.

Submissions (6):

Genome-Nilou Lab
Classification: Uncertain significance for Retinitis pigmentosa 39. Last evaluated: 2023-11-04. Review status: criteria provided, single submitter. Criteria: ACMG Guidelines, 2015. Collection method: clinical testing. Allele origin: germline. Affected: no.

Genome-Nilou Lab
Classification: Uncertain significance for Usher syndrome type 2A. Last evaluated: 2023-11-04. Review status: criteria provided, single submitter. Criteria: ACMG Guidelines, 2015. Collection method: clinical testing. Allele origin: germline. Affected: no.

Dept Of Ophthalmology, Nagoya University
Classification: Uncertain significance for Retinal dystrophy. Last evaluated: 2023-10-01. Review status: criteria provided, single submitter. Criteria: Submitter's publication. Collection method: research. Allele origin: germline. Affected: yes.

Blueprint Genetics
Classification: Uncertain significance. Last evaluated: 2022-07-06. Review status: criteria provided, single submitter. Criteria: ACMG Guidelines, 2015. Collection method: clinical testing. Allele origin: germline.

Labcorp Genetics (formerly Invitae), Labcorp
Classification: Uncertain significance. Last evaluated: 2022-06-10. Review status: criteria provided, single submitter. Criteria: Invitae Variant Classification Sherloc (09022015). Collection method: clinical testing. Allele origin: germline.
Comment: This sequence change replaces threonine, which is neutral and polar, with methionine, which is neutral and non-polar, at codon 2272 of the USH2A protein (p.Thr2272Met). This variant is present in population databases (rs776972526, gnomAD 0.005%). This missense change has been observed in individual(s) with retinitis pigmentosa (PMID: 24938718). ClinVar contains an entry for this variant (Variation ID: 553794). Algorithms developed to predict the effect of missense changes on protein structure and function output the following: SIFT: "Deleterious"; PolyPhen-2: "Benign"; Align-GVGD: "Class C65". The methionine amino acid residue is found in multiple mammalian species, which suggests that this missense change does not adversely affect protein function. In summary, the available evidence is currently insufficient to determine the role of this variant in disease. Therefore, it has been classified as a Variant of Uncertain Significance.

Counsyl
Classification: Uncertain significance for Usher syndrome type 2A; Retinitis pigmentosa 39. Last evaluated: 2017-09-07. Review status: no assertion criteria provided. Collection method: clinical testing. Allele origin: unknown. Not counted in ClinVar's aggregate classification.

Literature cited by the submitters: PubMed 24938718 (cited by Labcorp Genetics (formerly Invitae), Labcorp and Counsyl).

NM_206933.4(USH2A):c.6815C>T (p.Thr2272Met)

Gene: USH2A (usherin; minus strand). Cytogenetic location: 1q41.
Variant type: single nucleotide variant.
Coding change: c.6815C>T on transcript NM_206933.4 (MANE Select); coding-DNA position 6815, C replaced by T.
Protein change: p.Thr2272Met; replaces threonine 2272 with methionine.
Molecular consequence: missense variant.
Genome position (GRCh38, 1-based): chr1:215,970,767, G>A on the plus strand (C>T on the coding strand, the complement: USH2A is on the minus strand). VCF-style: chr1-215970767-G-A. GRCh37 (hg19) VCF-style: chr1-216144109-G-A.
Other names: short protein forms T2272M.
Identifiers: ClinVar variation 553794 (VCV000553794.6), dbSNP rs776972526, ClinGen allele CA1395019.